The following is an entry in ClinVar:

ClinVar aggregate classification (germline): Uncertain significance. Review status: criteria provided, multiple submitters, no conflicts (2 of 4 stars). 3 submissions from 3 submitters: Uncertain significance (3). Last evaluated 2026-04-29.

Conditions:
Generalized epilepsy-paroxysmal dyskinesia syndrome (PNKD3). Also called: Generalized epilepsy and paroxysmal dyskinesia; Paroxysmal nonkinesigenic dyskinesia, 3, with or without generalized epilepsy. Identifiers: Orphanet 79137, MedGen C5574945, MONDO:0012276, OMIM 609446.

Allele frequency attached by ClinVar (database versions not stated): TOPMed below 0.00001; ExAC 0.00001; gnomAD 0.00001; gnomAD exomes 0.00002 and 0.00003.
gnomAD v4.1: 45 of 1,614,018 alleles (0.0028%); highest among the groups gnomAD compares: Admixed American, 0.0033%; no homozygotes.

Submissions (3):

Women's Health and Genetics/Laboratory Corporation of America, LabCorp
Classification: Uncertain significance. Last evaluated: 2026-04-29. Review status: criteria provided, single submitter. Criteria: LabCorp Variant Classification Summary - May 2015. Collection method: clinical testing. Allele origin: germline.
Comment: Variant summary: KCNMA1 c.1486G>A (p.Ala496Thr) results in a non-conservative amino acid change in the encoded protein sequence. Algorithms developed to predict the effect of missense changes on protein structure and function are either unavailable or do not agree on the potential impact of this missense change. The variant allele was found at a frequency of 2e-05 in 251336 control chromosomes. The available data on variant occurrences in the general population are insufficient to allow any conclusion about variant significance. To our knowledge, no occurrence of c.1486G>A in individuals affected with KCNMA1-related conditions and no experimental evidence demonstrating its impact on protein function have been reported. ClinVar contains an entry for this variant (Variation ID: 300964). Based on the evidence outlined above, the variant was classified as uncertain significance.

Labcorp Genetics (formerly Invitae), Labcorp
Classification: Uncertain significance for Generalized epilepsy-paroxysmal dyskinesia syndrome. Last evaluated: 2025-09-10. Review status: criteria provided, single submitter. Criteria: Invitae Variant Classification Sherloc (09022015). Collection method: clinical testing. Allele origin: germline.
Comment: This sequence change replaces alanine, which is neutral and non-polar, with threonine, which is neutral and polar, at codon 496 of the KCNMA1 protein (p.Ala496Thr). This variant is present in population databases (rs202213336, gnomAD 0.006%). This variant has not been reported in the literature in individuals affected with KCNMA1-related conditions. ClinVar contains an entry for this variant (Variation ID: 300964). Invitae Evidence Modeling of protein sequence and biophysical properties (such as structural, functional, and spatial information, amino acid conservation, physicochemical variation, residue mobility, and thermodynamic stability) indicates that this missense variant is not expected to disrupt KCNMA1 protein function with a negative predictive value of 80%. In summary, the available evidence is currently insufficient to determine the role of this variant in disease. Therefore, it has been classified as a Variant of Uncertain Significance.

Illumina Laboratory Services, Illumina
Classification: Uncertain significance for Generalized epilepsy-paroxysmal dyskinesia syndrome. Last evaluated: 2018-01-12. Review status: criteria provided, single submitter. Criteria: ICSL Variant Classification Criteria 13 December 2019. Collection method: clinical testing. Allele origin: germline.

NM_001161352.2(KCNMA1):c.1486G>A (p.Ala496Thr)

Gene: KCNMA1 (potassium calcium-activated channel subfamily M alpha 1; minus strand). Cytogenetic location: 10q22.3.
Variant type: single nucleotide variant.
Coding change: c.1486G>A on transcript NM_001161352.2 (MANE Select); coding-DNA position 1486, G replaced by A.
Protein change: p.Ala496Thr; replaces alanine 496 with threonine.
Molecular consequence: missense variant.
Genome position (GRCh38, 1-based): chr10:77,084,674, C>T on the plus strand (G>A on the coding strand, the complement: KCNMA1 is on the minus strand). VCF-style: chr10-77084674-C-T. GRCh37 (hg19) VCF-style: chr10-78844432-C-T.
Other names: c.1486G>A, p.Ala496Thr (NM_001014797.3, NM_001161353.2, NM_001271519.2 and 7 more transcripts); c.1324G>A, p.Ala442Thr (NM_001271518.2); c.946G>A, p.Ala316Thr (NM_001322838.2); short protein forms A496T, A442T, A316T.
Identifiers: ClinVar variation 300964 (VCV000300964.10), dbSNP rs202213336, ClinGen allele CA5568429.
Genomic context (GRCh38, chr10:77,084,674, plus strand): 5'-TTCCGCAGCGCCCCAAGAGTTACCTCATGATATTCGAGGCATCCTCCGCATCCGGGTCAG[C>T]GCAGTACTTGTTGGCAAGGATCAGGCATGCATCTGCTGACTCTATCTAAGACACCGAAAG-3'
Protein context (NP_001154824.1, residues 486-506): ACLILANKYC[Ala496Thr]DPDAEDASNI